The following is an entry in ClinVar:

ClinVar aggregate classification (germline): Uncertain significance. Review status: criteria provided, multiple submitters, no conflicts (2 of 4 stars). 3 submissions from 3 submitters: Uncertain significance (3). Last evaluated 2025-10-20.

Conditions:
Cardiovascular phenotype. Identifiers: MedGen CN230736.

Allele frequency attached by ClinVar (database versions not stated): gnomAD exomes below 0.00001.
gnomAD v4.1: 1 of 1,613,846 alleles (0.000062%); highest among the groups gnomAD compares: Non-Finnish European, 0.000085%; no homozygotes.

Submissions (3):

Women's Health and Genetics/Laboratory Corporation of America, LabCorp
Classification: Uncertain significance. Last evaluated: 2025-10-20. Review status: criteria provided, single submitter. Criteria: LabCorp Variant Classification Summary - May 2015. Collection method: clinical testing. Allele origin: germline.
Comment: Variant summary: RYR2 c.6250A>G (p.Met2084Val) results in a conservative amino acid change in the encoded protein sequence. Algorithms developed to predict the effect of missense changes on protein structure and function are either unavailable or do not agree on the potential impact of this missense change. The variant was absent in 249178 control chromosomes. The available data on variant occurrences in the general population are insufficient to allow any conclusion about variant significance. To our knowledge, no occurrence of c.6250A>G in individuals affected with RYR2-related conditions and no experimental evidence demonstrating its impact on protein function have been reported. ClinVar contains an entry for this variant (Variation ID: 505990). Based on the evidence outlined above, the variant was classified as uncertain significance.

Ambry Genetics
Classification: Uncertain significance for Cardiovascular phenotype. Last evaluated: 2017-12-14. Review status: criteria provided, single submitter. Criteria: Ambry Variant Classification Scheme 2023. Collection method: clinical testing. Allele origin: germline.
Comment: The p.M2084V variant (also known as c.6250A>G), located in coding exon 41 of the RYR2 gene, results from an A to G substitution at nucleotide position 6250. The methionine at codon 2084 is replaced by valine, an amino acid with highly similar properties. This amino acid position is highly conserved in available vertebrate species. In addition, the in silico prediction for this alteration is inconclusive. Since supporting evidence is limited at this time, the clinical significance of this alteration remains unclear.

Laboratory for Molecular Medicine, Mass General Brigham Personalized Medicine
Classification: Uncertain significance. Last evaluated: 2017-08-18. Review status: criteria provided, single submitter. Criteria: LMM Criteria. Collection method: clinical testing. Allele origin: germline. Observed: 1 variant allele.
Comment: The p.Met2084Val variant in RYR2 has not been previously reported in individuals with cardiomyopathy and was absent from large population studies. Computational prediction tools and conservation analysis suggest that the p.Met2084Val varian t may impact the protein, though this information is not predictive enough to de termine pathogenicity. In summary, the clinical significance of the p.Met2084Val variant is uncertain.

NM_001035.3(RYR2):c.6250A>G (p.Met2084Val)

Gene: RYR2 (ryanodine receptor 2; plus strand). Cytogenetic location: 1q43.
Variant type: single nucleotide variant.
Coding change: c.6250A>G on transcript NM_001035.3 (MANE Select); coding-DNA position 6250, A replaced by G.
Protein change: p.Met2084Val; replaces methionine 2084 with valine.
Molecular consequence: missense variant.
Genome position (GRCh38, 1-based): chr1:237,627,890, A>G. VCF-style: chr1-237627890-A-G. GRCh37 (hg19) VCF-style: chr1-237791190-A-G.
Other names: short protein forms M2084V.
Identifiers: ClinVar variation 505990 (VCV000505990.10), dbSNP rs1553531464, ClinGen allele CA345410741.